The following is an entry in ClinVar:

ClinVar aggregate classification (germline): Conflicting classifications of pathogenicity. Review status: criteria provided, conflicting classifications (1 of 4 stars). 3 submissions from 3 submitters: Uncertain significance (2); Likely benign (1). Last evaluated 2024-12-20.

Conditions:
Facial dysmorphism-immunodeficiency-livedo-short stature syndrome. Also called: FILS syndrome; Facial dysmorphism, immunodeficiency, livedo, and short stature. Identifiers: Orphanet 352712, MedGen C3554576, MONDO:0014058, OMIM 615139.
Intrauterine growth retardation, metaphyseal dysplasia, adrenal hypoplasia congenita, genital anomalies, and immunodeficiency. Also called: IMAGEI SYNDROME. Identifiers: MedGen C5193036, MONDO:0032684, OMIM 618336.
Colorectal cancer, susceptibility to, 12 (CRCS12). Also called: COLORECTAL CANCER, SUSCEPTIBILITY TO, ON CHROMOSOME 12q24. Identifiers: Orphanet 220460, MedGen C3554460, MONDO:0014038, OMIM 615083.
Hereditary cancer-predisposing syndrome. Also called: Neoplastic Syndromes, Hereditary; Tumor predisposition; Hereditary Cancer Syndrome; Hereditary neoplastic syndrome. Identifiers: Orphanet 140162, MedGen C0027672, MeSH D009386, MONDO:0015356.

Allele frequency attached by ClinVar (database versions not stated): gnomAD exomes below 0.00001.
gnomAD v4.1: 1 of 1,612,926 alleles (0.000062%); highest among the groups gnomAD compares: East Asian, 0.0022%; no homozygotes.

Submissions (3):

Labcorp Genetics (formerly Invitae), Labcorp
Classification: Uncertain significance. Last evaluated: 2024-12-20. Review status: criteria provided, single submitter. Criteria: Invitae Variant Classification Sherloc (09022015). Collection method: clinical testing. Allele origin: germline.
Comment: This sequence change replaces alanine, which is neutral and non-polar, with valine, which is neutral and non-polar, at codon 1379 of the POLE protein (p.Ala1379Val). This variant is not present in population databases (gnomAD no frequency). This variant has not been reported in the literature in individuals affected with POLE-related conditions. ClinVar contains an entry for this variant (Variation ID: 1738116). Invitae Evidence Modeling of protein sequence and biophysical properties (such as structural, functional, and spatial information, amino acid conservation, physicochemical variation, residue mobility, and thermodynamic stability) indicates that this missense variant is not expected to disrupt POLE protein function with a negative predictive value of 80%. In summary, the available evidence is currently insufficient to determine the role of this variant in disease. Therefore, it has been classified as a Variant of Uncertain Significance.

Ambry Genetics
Classification: Likely benign for Hereditary cancer-predisposing syndrome. Last evaluated: 2024-03-28. Review status: criteria provided, single submitter. Criteria: Ambry Variant Classification Scheme 2023. Collection method: clinical testing. Allele origin: germline.

Fulgent Genetics
Classification: Uncertain significance for Colorectal cancer, susceptibility to, 12; Facial dysmorphism-immunodeficiency-livedo-short stature syndrome; Intrauterine growth retardation, metaphyseal dysplasia, adrenal hypoplasia congenita, genital anomalies, and immunodeficiency. Last evaluated: 2024-01-15. Review status: criteria provided, single submitter. Criteria: ACMG Guidelines, 2015. Collection method: clinical testing. Allele origin: germline.

NM_006231.4(POLE):c.4136C>T (p.Ala1379Val)

Gene: POLE (DNA polymerase epsilon, catalytic subunit; minus strand). Cytogenetic location: 12q24.33.
Variant type: single nucleotide variant.
Coding change: c.4136C>T on transcript NM_006231.4 (MANE Select); coding-DNA position 4136, C replaced by T.
Protein change: p.Ala1379Val; replaces alanine 1379 with valine.
Molecular consequence: missense variant.
Genome position (GRCh38, 1-based): chr12:132,648,942, G>A on the plus strand (C>T on the coding strand, the complement: POLE is on the minus strand). VCF-style: chr12-132648942-G-A. GRCh37 (hg19) VCF-style: chr12-133225528-G-A.
Other names: short protein forms A1379V.
Identifiers: ClinVar variation 1738116 (VCV001738116.6), dbSNP rs2042349830, ClinGen allele CA387383604.